The following is an entry in ClinVar:

NM_021927.3(GUF1):c.586-4A>T

Gene: GUF1 (GTP binding elongation factor GUF1; plus strand). Cytogenetic location: 4p12.
Variant type: single nucleotide variant.
Coding change: c.586-4A>T on transcript NM_021927.3 (MANE Select); 4 bases into the intron before coding-DNA position 586, A replaced by T.
Molecular consequence: intron variant.
Genome position (GRCh38, 1-based): chr4:44,683,231, A>T. VCF-style: chr4-44683231-A-T. GRCh37 (hg19) VCF-style: chr4-44685248-A-T.
Other names: NC_000004.11:g.44685248A>T; c.586-4A>T (NM_001345868.2); c.-383-8A>T (NM_001345867.2); c.-387-4A>T (NM_001345869.2).
Identifiers: ClinVar variation 3055492 (VCV003055492.3), dbSNP rs764047104, ClinGen allele CA2905366.
Genomic context (GRCh38, chr4:44,683,231, plus strand): 5'-ACTGTTAATACATAATACATCTTATCTTTATTATACTTCACATAATGGATTTTTTTTTTT[A>T]AAGATAGATCTGAAGAATGCTGATCCTGAAAGGGTTGAAAACCAAATTGAGAAAGTGTTT-3'

ClinVar aggregate classification (germline): Likely benign (0 of 4 stars; one submission).

Conditions:
GUF1-related disorder. Also called: GUF1-related condition.

Allele frequency attached by ClinVar (database versions not stated): ExAC 0.00002; gnomAD exomes 0.00041.

Submissions (5):

PreventionGenetics, part of Exact Sciences
Classification: Likely benign for GUF1-related condition. Last evaluated: 2019-08-07. Review status: no assertion criteria provided. Collection method: clinical testing. Allele origin: germline.
Comment: This variant is classified as likely benign based on ACMG/AMP sequence variant interpretation guidelines (Richards et al. 2015 PMID: 25741868, with internal and published modifications).

Dr. Peter K. Rogan Lab, Western University
No classification provided (evidence only). Condition: Sarcoma. Review status: no classification provided. Collection method: in vitro. Allele origin: not applicable. Functional consequence: retained intron. Not counted in ClinVar's aggregate classification.

Dr. Peter K. Rogan Lab, Western University
No classification provided (evidence only). Condition: Cholangiocarcinoma. Review status: no classification provided. Collection method: in vitro. Allele origin: not applicable. Functional consequence: retained intron. Not counted in ClinVar's aggregate classification.

Dr. Peter K. Rogan Lab, Western University
No classification provided (evidence only). Condition: Cholangiocarcinoma. Review status: no classification provided. Collection method: in vitro. Allele origin: not applicable. Functional consequence: retained intron. Not counted in ClinVar's aggregate classification.

Dr. Peter K. Rogan Lab, Western University
No classification provided (evidence only). Condition: Malignant tumor of esophagus. Review status: no classification provided. Collection method: in vitro. Allele origin: not applicable. Functional consequence: retained intron. Not counted in ClinVar's aggregate classification.